The following is an entry in ClinVar:

ClinVar aggregate classification (germline): Conflicting classifications of pathogenicity. Review status: criteria provided, conflicting classifications (1 of 4 stars). 5 submissions from 5 submitters: Uncertain significance (2); Likely benign (1). 2 of the submissions do not count toward it. Last evaluated 2024-09-01.

Conditions:
Lysinuric protein intolerance (LPI). Identifiers: Orphanet 470, MedGen C0268647, MONDO:0009109, OMIM 222700.
SLC7A7-related disorder. Also called: SLC7A7-related condition.

Allele frequency attached by ClinVar (database versions not stated): ExAC 0.00002; gnomAD 0.00003; gnomAD exomes 0.00004 and 0.00008; TOPMed 0.00004; ESP Exome Variant Server 0.00008.
gnomAD v4.1: 114 of 1,614,058 alleles (0.0071%); highest among the groups gnomAD compares: Non-Finnish European, 0.0094%; no homozygotes.

Submissions (5):

Blueprint Genetics
Classification: Likely benign. Last evaluated: 2024-09-01. Review status: criteria provided, single submitter. Criteria: ACMG Guidelines, 2015. Collection method: clinical testing. Allele origin: germline.

Fulgent Genetics
Classification: Uncertain significance for Lysinuric protein intolerance. Last evaluated: 2024-03-30. Review status: criteria provided, single submitter. Criteria: ACMG Guidelines, 2015. Collection method: clinical testing. Allele origin: germline.

Labcorp Genetics (formerly Invitae), Labcorp
Classification: Uncertain significance for Lysinuric protein intolerance. Last evaluated: 2022-04-23. Review status: criteria provided, single submitter. Criteria: Invitae Variant Classification Sherloc (09022015). Collection method: clinical testing. Allele origin: germline.
Comment: This sequence change falls in intron 6 of the SLC7A7 gene. It does not directly change the encoded amino acid sequence of the SLC7A7 protein. It affects a nucleotide within the consensus splice site. This variant is present in population databases (rs373812507, gnomAD 0.008%). This variant has not been reported in the literature in individuals affected with SLC7A7-related conditions. ClinVar contains an entry for this variant (Variation ID: 566917). Variants that disrupt the consensus splice site are a relatively common cause of aberrant splicing (PMID: 17576681, 9536098). Algorithms developed to predict the effect of sequence changes on RNA splicing suggest that this variant is not likely to affect RNA splicing. In summary, the available evidence is currently insufficient to determine the role of this variant in disease. Therefore, it has been classified as a Variant of Uncertain Significance.

Natera, Inc.
Classification: Uncertain significance for Lysinuric protein intolerance. Last evaluated: 2019-11-11. Review status: no assertion criteria provided. Collection method: clinical testing. Allele origin: germline. Not counted in ClinVar's aggregate classification.

PreventionGenetics, part of Exact Sciences
Classification: Likely benign for SLC7A7-related condition. Last evaluated: 2019-07-11. Review status: no assertion criteria provided. Collection method: clinical testing. Allele origin: germline. Not counted in ClinVar's aggregate classification.
Comment: This variant is classified as likely benign based on ACMG/AMP sequence variant interpretation guidelines (Richards et al. 2015 PMID: 25741868, with internal and published modifications).

Literature cited by the submitters: PubMed 17576681 (cited by Labcorp Genetics (formerly Invitae), Labcorp); PubMed 9536098 (cited by Labcorp Genetics (formerly Invitae), Labcorp).

NM_003982.4(SLC7A7):c.894+6G>A

Gene: SLC7A7 (solute carrier family 7 member 7; minus strand). Cytogenetic location: 14q11.2.
Variant type: single nucleotide variant.
Coding change: c.894+6G>A on transcript NM_003982.4 (MANE Select); 6 bases into the intron after coding-DNA position 894, G replaced by A.
Molecular consequence: intron variant.
Genome position (GRCh38, 1-based): chr14:22,776,189, C>T on the plus strand (G>A on the coding strand, the complement: SLC7A7 is on the minus strand). VCF-style: chr14-22776189-C-T. GRCh37 (hg19) VCF-style: chr14-23245398-C-T.
Other names: c.894+6G>A (NM_001126106.4, NM_001126105.3).
Identifiers: ClinVar variation 566917 (VCV000566917.11), dbSNP rs373812507, ClinGen allele CA7104565.